The following is an entry in ClinVar:

NM_005633.4(SOS1):c.2105A>G (p.Tyr702Cys)

Gene: SOS1 (SOS Ras/Rac guanine nucleotide exchange factor 1; minus strand). Cytogenetic location: 2p22.1.
Variant type: single nucleotide variant.
Coding change: c.2105A>G on transcript NM_005633.4 (MANE Select); coding-DNA position 2105, A replaced by G.
Protein change: p.Tyr702Cys; replaces tyrosine 702 with cysteine.
Molecular consequence: missense variant.
Genome position (GRCh38, 1-based): chr2:39,013,522, T>C on the plus strand (A>G on the coding strand, the complement: SOS1 is on the minus strand). VCF-style: chr2-39013522-T-C. GRCh37 (hg19) VCF-style: chr2-39240663-T-C.
Other names: c.2084A>G, p.Tyr695Cys (NM_001382394.1); c.2105A>G, p.Tyr702Cys (NM_001382395.1); short protein forms Y702C, Y695C.
Identifiers: ClinVar variation 191107 (VCV000191107.7), dbSNP rs757094189, ClinGen allele CA236034.

ClinVar aggregate classification (germline): Conflicting classifications of pathogenicity. Review status: criteria provided, conflicting classifications (1 of 4 stars). 4 submissions from 4 submitters: Likely pathogenic (1); Uncertain significance (3). Last evaluated 2022-09-16.

Conditions:
RASopathy. Also called: rasopathies; Noonan spectrum disorder. Identifiers: Orphanet 536391, MedGen C5555857, MONDO:0021060.
Fibromatosis, gingival, 1 (GINGF1). Identifiers: Orphanet 2024, MedGen C4551558, MONDO:0007609, OMIM 135300.
Noonan syndrome 4 (NS4). Also called: NOONAN SYNDROME WITH PIGMENTED VILLONODULAR SYNOVITIS; SOS1-Related Noonan Syndrome. Identifiers: Orphanet 648, MedGen C1853120, MONDO:0012547, OMIM 610733.

Allele frequency attached by ClinVar (database versions not stated): gnomAD 0.00001; gnomAD exomes 0.00001; ExAC 0.00002.
gnomAD v4.1: 11 of 1,612,508 alleles (0.00068%); highest among the groups gnomAD compares: South Asian, 0.0022%; no homozygotes.

Submissions (4):

Labcorp Genetics (formerly Invitae), Labcorp
Classification: Uncertain significance for RASopathy. Last evaluated: 2022-09-16. Review status: criteria provided, single submitter. Criteria: Invitae Variant Classification Sherloc (09022015). Collection method: clinical testing. Allele origin: germline.
Comment: This variant is present in population databases (rs757094189, gnomAD 0.004%). This variant has not been reported in the literature in individuals affected with SOS1-related conditions. ClinVar contains an entry for this variant (Variation ID: 191107). Advanced modeling of protein sequence and biophysical properties (such as structural, functional, and spatial information, amino acid conservation, physicochemical variation, residue mobility, and thermodynamic stability) performed at Invitae indicates that this missense variant is expected to disrupt SOS1 protein function. This variant disrupts the p.Tyr702 amino acid residue in SOS1. Other variant(s) that disrupt this residue have been determined to be pathogenic (PMID: 17143282, 23487764, 23885229, 25862627). This suggests that this residue is clinically significant, and that variants that disrupt this residue are likely to be disease-causing. In summary, the available evidence is currently insufficient to determine the role of this variant in disease. Therefore, it has been classified as a Variant of Uncertain Significance. This sequence change replaces tyrosine, which is neutral and polar, with cysteine, which is neutral and slightly polar, at codon 702 of the SOS1 protein (p.Tyr702Cys).

Fulgent Genetics
Classification: Uncertain significance for Fibromatosis, gingival, 1; Noonan syndrome 4. Last evaluated: 2021-07-09. Review status: criteria provided, single submitter. Criteria: ACMG Guidelines, 2015. Collection method: clinical testing. Allele origin: unknown.

GeneDx
Classification: Uncertain significance. Last evaluated: 2018-01-16. Review status: criteria provided, single submitter. Criteria: GeneDx Variant Classification (06012015). Collection method: clinical testing. Allele origin: germline. Affected: yes.
Comment: The Y702C variant has not been published as a pathogenic variant, nor has it been reported as a benign variant to our knowledge. The Y702C variant is observed in 1/24000 (0.0042%) alleles from individuals of African background in large population cohorts (Lek et al., 2016). The Y702C variant is a non-conservative amino acid substitution, which is likely to impact secondary protein structure as these residues differ in polarity, charge, size and/or other properties. In-silico analyses, including protein predictors and evolutionary conservation, support a deleterious effect. A missense variant in the same residue (Y702H) has been reported in the Human Gene Mutation Database in association with SOS1-related disorders (Stenson et al., 2014), supporting the functional importance of this region of the protein.

Genomic Medicine Center of Excellence, King Faisal Specialist Hospital and Research Centre
Classification: Likely pathogenic. Review status: criteria provided, single submitter. Criteria: ACMG Guidelines, 2015. Collection method: research. Allele origin: germline. Affected: yes.

Literature cited by the submitters: PubMed 17143282 (cited by Labcorp Genetics (formerly Invitae), Labcorp); PubMed 23487764 (cited by Labcorp Genetics (formerly Invitae), Labcorp); PubMed 23885229 (cited by Labcorp Genetics (formerly Invitae), Labcorp); PubMed 25862627 (cited by Labcorp Genetics (formerly Invitae), Labcorp).